The following is an entry in ClinVar:

ClinVar aggregate classification (germline): Uncertain significance. Review status: criteria provided, multiple submitters, no conflicts (2 of 4 stars). 2 submissions from 2 submitters: Uncertain significance (2). Last evaluated 2025-11-04.

Conditions:
X-linked Opitz G/BBB syndrome (GBBB). Also called: MID1-Related Opitz G/BBB Syndrome; OPITZ BBBG SYNDROME, TYPE I; OPITZ SYNDROME, X-LINKED; OPITZ-G SYNDROME, TYPE I; Opitz-Frias syndrome. Identifiers: Orphanet 2745, MedGen C2936904, MONDO:0010222, OMIM 300000.

Submissions (2):

Myriad Genetics, Inc.
Classification: Uncertain significance for X-linked Opitz G/BBB syndrome. Last evaluated: 2025-11-04. Review status: criteria provided, single submitter. Criteria: Myriad Autosomal Dominant, Autosomal Recessive and X-Linked Classification Criteria (2023). Collection method: clinical testing. Allele origin: unknown.
Comment: NM_000381.3(MID1):c.1414_1419dup6(R472_S473dup) is an in-frame insertion classified as a variant of uncertain significance in the context of Opitz G/BBB syndrome, MID1-related. R472_S473dup has not been observed in cases with relevant disease. Relevant functional assessments of this variant are not available in the literature. R472_S473dup has been observed in referenced population frequency databases. In summary, there is insufficient evidence to classify NM_000381.3(MID1):c.1414_1419dup6(R472_S473dup) as pathogenic or benign. Please note: this variant was assessed in the context of healthy population screening.

Eurofins Ntd Llc (ga)
Classification: Uncertain significance. Last evaluated: 2015-11-11. Review status: criteria provided, single submitter. Criteria: EGL Classification Definitions. Collection method: clinical testing. Allele origin: germline. Observed: 1 variant allele, 1 heterozygote.

NM_000381.4(MID1):c.1414_1419dup (p.Arg472_Ser473dup)

Gene: MID1 (midline 1; minus strand). Cytogenetic location: Xp22.2.
Variant type: Duplication.
Coding change: c.1414_1419dup on transcript NM_000381.4 (MANE Select); coding-DNA positions 1414 to 1419, 6 bases duplicated (CGCAGC; older notation c.1414_1419dupCGCAGC).
Protein change: p.Arg472_Ser473dup.
Molecular consequence: inframe insertion.
Genome position (GRCh38, 1-based): chrX:10,459,674-10,459,679, GCTGCG duplicated on the plus strand (CGCAGC on the coding strand, the reverse complement: MID1 is on the minus strand); duplicating any 6 consecutive bases within chrX:10,459,674-10,459,684 gives the same sequence; the c. name uses the placement nearest the transcript's 3' end. VCF-style (leftmost placement, unchanged base first): chrX-10459673-T-TGCTGCG. GRCh37 (hg19) VCF-style: chrX-10427713-T-TGCTGCG.
Other names: c.1414_1419dup, p.Arg472_Ser473dup (NM_001098624.2, NM_001193277.1, NM_001347733.2 and 1 more transcripts); c.1300_1305dup, p.Arg434_Ser435dup (NM_033289.2).
Identifiers: ClinVar variation 284861 (VCV000284861.7), dbSNP rs748883619, ClinGen allele CA10347473.